The following is an entry in ClinVar:

ClinVar aggregate classification (germline): Pathogenic (1 of 4 stars; one submission).

Conditions:
X-linked lymphoproliferative disease due to XIAP deficiency. Also called: XIAP-Related Lymphoproliferative Disease, X-Linked; XIAP DEFICIENCY. Identifiers: Orphanet 2442, Orphanet 538934, MedGen C1845076, MONDO:0010385, OMIM 300635.

Submission:

Labcorp Genetics (formerly Invitae), Labcorp
Classification: Pathogenic for X-linked lymphoproliferative disease due to XIAP deficiency. Last evaluated: 2023-12-04. Review status: criteria provided, single submitter. Criteria: Invitae Variant Classification Sherloc (09022015). Collection method: clinical testing. Allele origin: germline.
Comment: This sequence change creates a premature translational stop signal (p.Arg222Leufs*6) in the XIAP gene. It is expected to result in an absent or disrupted protein product. Loss-of-function variants in XIAP are known to be pathogenic (PMID: 17080092, 21119115, 25666262). This variant is not present in population databases (gnomAD no frequency). This variant has not been reported in the literature in individuals affected with XIAP-related conditions. For these reasons, this variant has been classified as Pathogenic.

Literature cited by the submitters: PubMed 17080092; PubMed 21119115; PubMed 25666262.

NM_001167.4(XIAP):c.664_665insTGTC (p.Arg222fs)

Gene: XIAP (X-linked inhibitor of apoptosis; plus strand). Cytogenetic location: Xq25.
Variant type: Insertion.
Coding change: c.664_665insTGTC on transcript NM_001167.4 (MANE Select); coding-DNA positions 664 to 665, TGTC inserted.
Protein change: p.Arg222fs; shifts the reading frame from arginine 222.
Molecular consequence: frameshift variant.
Genome position: GRCh38 VCF-style: chrX-123886325-G-GCTGT. GRCh37 (hg19) VCF-style: chrX-123020175-G-GCTGT.
Other names: c.664_665insTGTC, p.Arg222fs (NM_001204401.2, NM_001378590.1, NM_001378591.1 and 1 more transcripts); short protein forms R222fs.
Identifiers: ClinVar variation 2700917 (VCV002700917.3), dbSNP rs2522585961, ClinGen allele CA2697544748.